The following is an entry in ClinVar:

ClinVar aggregate classification (germline): Uncertain significance. Review status: criteria provided, multiple submitters, no conflicts (2 of 4 stars). 2 submissions from 2 submitters: Uncertain significance (2). Last evaluated 2024-11-04.

Allele frequency attached by ClinVar (database versions not stated): ExAC 0.00002; gnomAD exomes 0.00004 and 0.00006; TOPMed 0.00005; gnomAD 0.00006.

Submissions (2):

Blueprint Genetics
Classification: Uncertain significance. Last evaluated: 2024-11-04. Review status: criteria provided, single submitter. Criteria: ACMG Guidelines, 2015. Collection method: clinical testing. Allele origin: germline.

Labcorp Genetics (formerly Invitae), Labcorp
Classification: Uncertain significance. Last evaluated: 2022-05-06. Review status: criteria provided, single submitter. Criteria: Invitae Variant Classification Sherloc (09022015). Collection method: clinical testing. Allele origin: germline.
Comment: This sequence change replaces alanine, which is neutral and non-polar, with valine, which is neutral and non-polar, at codon 690 of the PDE6C protein (p.Ala690Val). This variant is present in population databases (rs779387187, gnomAD 0.01%). This variant has not been reported in the literature in individuals affected with PDE6C-related conditions. ClinVar contains an entry for this variant (Variation ID: 961749). Algorithms developed to predict the effect of missense changes on protein structure and function (SIFT, PolyPhen-2, Align-GVGD) all suggest that this variant is likely to be tolerated. In summary, the available evidence is currently insufficient to determine the role of this variant in disease. Therefore, it has been classified as a Variant of Uncertain Significance.

NM_006204.4(PDE6C):c.2069C>T (p.Ala690Val)

Gene: PDE6C (phosphodiesterase 6C; plus strand). Cytogenetic location: 10q23.33.
Variant type: single nucleotide variant.
Coding change: c.2069C>T on transcript NM_006204.4 (MANE Select); coding-DNA position 2069, C replaced by T.
Protein change: p.Ala690Val; replaces alanine 690 with valine.
Molecular consequence: missense variant.
Genome position (GRCh38, 1-based): chr10:93,658,933, C>T. VCF-style: chr10-93658933-C-T. GRCh37 (hg19) VCF-style: chr10-95418690-C-T.
Other names: short protein forms A690V.
Identifiers: ClinVar variation 961749 (VCV000961749.6), dbSNP rs779387187, ClinGen allele CA5610391.